The following is an entry in ClinVar:

ClinVar aggregate classification (germline): Benign/Likely benign. Review status: criteria provided, multiple submitters, no conflicts (2 of 4 stars). 2 submissions from 2 submitters: Benign (1); Likely benign (1). Last evaluated 2025-04-10.

Conditions:
Tuberous sclerosis 1 (TSC1). Identifiers: Orphanet 805, MedGen C1854465, MONDO:0008612, OMIM 191100.

Submissions (2):

Labcorp Genetics (formerly Invitae), Labcorp
Classification: Likely benign for Tuberous sclerosis 1. Last evaluated: 2025-04-10. Review status: criteria provided, single submitter. Criteria: Invitae Variant Classification Sherloc (09022015). Collection method: clinical testing. Allele origin: germline.

Myriad Genetics, Inc.
Classification: Benign for Tuberous sclerosis 1. Last evaluated: 2025-04-10. Review status: criteria provided, single submitter. Criteria: Myriad Autosomal Dominant, Autosomal Recessive and X-Linked Classification Criteria (2023). Collection method: clinical testing. Allele origin: unknown.
Comment: This variant is considered benign. This variant is a silent/synonymous amino acid change and it is not expected to impact splicing.

NM_000368.5(TSC1):c.1551G>A (p.Arg517=)

Gene: TSC1 (TSC complex subunit 1; minus strand). Cytogenetic location: 9q34.13.
Variant type: single nucleotide variant.
Coding change: c.1551G>A on transcript NM_000368.5 (MANE Select); coding-DNA position 1551, G replaced by A.
Protein change: p.Arg517=; no amino-acid change (arginine 517 retained).
Molecular consequence: synonymous variant. On other transcripts: non-coding transcript variant (5).
Genome position (GRCh38, 1-based): chr9:132,906,027, C>T on the plus strand (G>A on the coding strand, the complement: TSC1 is on the minus strand). VCF-style: chr9-132906027-C-T. GRCh37 (hg19) VCF-style: chr9-135781414-C-T.
Other names: c.1548G>A, p.Arg516= (NM_001162426.2, NM_001406597.1, NM_001406598.1 and 6 more transcripts); c.1398G>A, p.Arg466= (NM_001162427.2, NM_001406610.1); c.1188G>A, p.Arg396= (NM_001362177.2, NM_001406614.1, NM_001406615.1 and 5 more transcripts); c.1551G>A, p.Arg517= (NM_001406592.1, NM_001406593.1, NM_001406594.1 and 7 more transcripts); c.1395G>A, p.Arg465= (NM_001406611.1, NM_001406612.1, NM_001406613.1); c.1185G>A, p.Arg395= (NM_001406620.1, NM_001406621.1, NM_001406622.1 and 2 more transcripts); c.600G>A, p.Arg200= (NM_001406626.1); c.597G>A, p.Arg199= (NM_001406627.1, NM_001406628.1); and 1 more.
Identifiers: ClinVar variation 4071325 (VCV004071325.2).
Genomic context (GRCh38, chr9:132,906,027, plus strand): 5'-GTGTAAAGGCTCAGGGTTCACGCTGGCGCCCTGAGAACTGGAGGCTGCCGAGTGGGTCTT[C>T]CGCTGAGAACCTGGGAGACTGTCTCGGTAAAAGGGAGAGTCAAAGCCTCCTCGAGGAACC-3'
Protein context (NP_000359.1, residues 507-527): FYRDSLPGSQ[Arg517=]KTHSAASSSQ